The following is an entry in ClinVar:

ClinVar aggregate classification (germline): Uncertain significance (1 of 4 stars; one submission).

Conditions:
Oligodontia-cancer predisposition syndrome. Also called: TOOTH AGENESIS-COLORECTAL CANCER SYNDROME. Identifiers: Orphanet 300576, MedGen C1837750, MONDO:0012075, OMIM 608615. Disease mechanism: loss of function.

Submission:

Labcorp Genetics (formerly Invitae), Labcorp
Classification: Uncertain significance for Oligodontia-cancer predisposition syndrome. Last evaluated: 2024-07-19. Review status: criteria provided, single submitter. Criteria: Invitae Variant Classification Sherloc (09022015). Collection method: clinical testing. Allele origin: germline.
Comment: This sequence change replaces alanine, which is neutral and non-polar, with aspartic acid, which is acidic and polar, at codon 649 of the AXIN2 protein (p.Ala649Asp). This variant is not present in population databases (gnomAD no frequency). This variant has not been reported in the literature in individuals affected with AXIN2-related conditions. Advanced modeling of protein sequence and biophysical properties (such as structural, functional, and spatial information, amino acid conservation, physicochemical variation, residue mobility, and thermodynamic stability) performed at Invitae indicates that this missense variant is not expected to disrupt AXIN2 protein function with a negative predictive value of 80%. In summary, the available evidence is currently insufficient to determine the role of this variant in disease. Therefore, it has been classified as a Variant of Uncertain Significance.

NM_004655.4(AXIN2):c.1946C>A (p.Ala649Asp)

Gene: AXIN2 (axin 2; minus strand). Cytogenetic location: 17q24.1.
Variant type: single nucleotide variant.
Coding change: c.1946C>A on transcript NM_004655.4 (MANE Select); coding-DNA position 1946, C replaced by A.
Protein change: p.Ala649Asp; replaces alanine 649 with aspartic acid.
Molecular consequence: missense variant.
Genome position (GRCh38, 1-based): chr17:65,536,515, G>T on the plus strand (C>A on the coding strand, the complement: AXIN2 is on the minus strand). VCF-style: chr17-65536515-G-T. GRCh37 (hg19) VCF-style: chr17-63532633-G-T.
Other names: c.1751C>A, p.Ala584Asp (NM_001363813.1); short protein forms A584D, A649D.
Identifiers: ClinVar variation 3659870 (VCV003659870.2).
Genomic context (GRCh38, chr17:65,536,515, plus strand): 5'-TGCCCGCTGTTGCCCCCCCACAGATGGTGCCGGCTGGCTCGTTCGCCTGGAGACGAGCGG[G>T]CAGACTCCAAGGGGTAGGCCTTTTTTGTGCTTTGGGCACTAAACAAGGAATGAGCAGAGA-3'
Protein context (NP_004646.3, residues 639-659): STKKAYPLES[Ala649Asp]RSSPGERASR